The following is an entry in ClinVar:

ClinVar aggregate classification (germline): Uncertain significance (1 of 4 stars; one submission).

Conditions:
Congenital myasthenic syndrome 8. Also called: Myasthenic syndrome, congenital, 8, with pre- and postsynaptic defects; MYASTHENIC SYNDROME, CONGENITAL, DUE TO AGRIN DEFICIENCY. Identifiers: Orphanet 590, MedGen C3808739, MONDO:0014052, OMIM 615120.

Allele frequency attached by ClinVar (database versions not stated): ExAC 0.00001; ESP Exome Variant Server 0.00008.

Submission:

Labcorp Genetics (formerly Invitae), Labcorp
Classification: Uncertain significance for Congenital myasthenic syndrome 8. Last evaluated: 2022-08-16. Review status: criteria provided, single submitter. Criteria: Invitae Variant Classification Sherloc (09022015). Collection method: clinical testing. Allele origin: germline.
Comment: This sequence change replaces phenylalanine, which is neutral and non-polar, with serine, which is neutral and polar, at codon 1162 of the AGRN protein (p.Phe1162Ser). This variant is present in population databases (rs139276432, gnomAD 0.002%). This variant has not been reported in the literature in individuals affected with AGRN-related conditions. Algorithms developed to predict the effect of missense changes on protein structure and function are either unavailable or do not agree on the potential impact of this missense change (SIFT: "Deleterious"; PolyPhen-2: "Probably Damaging"; Align-GVGD: "Class C0"). In summary, the available evidence is currently insufficient to determine the role of this variant in disease. Therefore, it has been classified as a Variant of Uncertain Significance.

NM_198576.4(AGRN):c.3485T>C (p.Phe1162Ser)

Gene: AGRN (agrin; plus strand). Cytogenetic location: 1p36.33.
Variant type: single nucleotide variant.
Coding change: c.3485T>C on transcript NM_198576.4 (MANE Select); coding-DNA position 3485, T replaced by C.
Protein change: p.Phe1162Ser; replaces phenylalanine 1162 with serine.
Molecular consequence: missense variant.
Genome position (GRCh38, 1-based): chr1:1,047,423, T>C. VCF-style: chr1-1047423-T-C. GRCh37 (hg19) VCF-style: chr1-982803-T-C.
Other names: c.3485T>C, p.Phe1162Ser (NM_001305275.2); c.3170T>C, p.Phe1057Ser (NM_001364727.2); short protein forms F1057S, F1162S.
Identifiers: ClinVar variation 2191792 (VCV002191792.1), dbSNP rs139276432, ClinGen allele CA509082.